The following is an entry in ClinVar:

ClinVar aggregate classification (germline): Pathogenic (1 of 4 stars; one submission).

Conditions:
Deafness-lymphedema-leukemia syndrome. Also called: Emberger syndrome; Lymphedema, primary, with myelodysplasia. Identifiers: Orphanet 3226, MedGen C3279664, MONDO:0013540, OMIM 614038.
GATA2 deficiency with susceptibility to MDS/AML. Identifiers: MedGen CN300066, MONDO:0042982.

Submission:

Molecular Pathology Research Laboratory, SA Pathology
Classification: Pathogenic for GATA2 deficiency with susceptibility to MDS/AML; Deafness-lymphedema-leukemia syndrome. Last evaluated: 2021-07-06. Review status: criteria provided, single submitter. Criteria: ACMG Guidelines, 2015. Collection method: curation. Allele origin: unknown. Inheritance: Autosomal dominant inheritance. Affected: yes. Observed: 1 variant allele.
Comment: PVS1, PS4_Supporting, PM2

Literature cited by the submitters: PubMed 26702063.

NM_032638.5(GATA2):c.968dup (p.His323fs)

Gene: GATA2 (GATA binding protein 2; minus strand). Cytogenetic location: 3q21.3.
Variant type: Duplication.
Coding change: c.968dup on transcript NM_032638.5 (MANE Select); coding-DNA position 968, one base duplicated (A; older notation c.968dupA).
Protein change: p.His323fs; shifts the reading frame from histidine 323.
Molecular consequence: frameshift variant.
Genome position (GRCh38, 1-based): chr3:128,483,909, T duplicated on the plus strand (A on the coding strand, the reverse complement: GATA2 is on the minus strand). VCF-style (leftmost placement, unchanged base first): chr3-128483908-G-GT. GRCh37 (hg19) VCF-style: chr3-128202751-G-GT.
Other names: c.968dup, p.His323fs (NM_001145661.2, NM_001145662.1); short protein forms H323fs.
Identifiers: ClinVar variation 1184149 (VCV001184149.1), dbSNP rs2107670366, ClinGen allele CA2499216459.